The following is an entry in ClinVar:

ClinVar aggregate classification (germline): Uncertain significance (1 of 4 stars; one submission).

gnomAD v4.1: 1 of 1,613,968 alleles (0.000062%); highest among the groups gnomAD compares: Non-Finnish European, 0.000085%; no homozygotes.

Submission:

GeneDx
Classification: Uncertain significance. Last evaluated: 2019-09-17. Review status: criteria provided, single submitter. Criteria: GeneDx Variant Classification Process June 2021. Collection method: clinical testing. Allele origin: germline. Affected: yes.
Comment: Not observed in large population cohorts (Lek et al., 2016); In silico analysis, which includes protein predictors and evolutionary conservation, supports a deleterious effect; Has not been previously published as pathogenic or benign to our knowledge

NM_015386.3(COG4):c.200T>G (p.Leu67Arg)

Gene: COG4 (component of oligomeric golgi complex 4; minus strand). Cytogenetic location: 16q22.1.
Variant type: single nucleotide variant.
Coding change: c.200T>G on transcript NM_015386.3 (MANE Select); coding-DNA position 200, T replaced by G.
Protein change: p.Leu67Arg; replaces leucine 67 with arginine.
Molecular consequence: missense variant. On other transcripts: 5 prime UTR variant (1), non-coding transcript variant (1).
Genome position (GRCh38, 1-based): chr16:70,519,703, A>C on the plus strand (T>G on the coding strand, the complement: COG4 is on the minus strand). VCF-style: chr16-70519703-A-C. GRCh37 (hg19) VCF-style: chr16-70553606-A-C.
Other names: c.188T>G, p.Leu63Arg (NM_001195139.2); c.-400T>G (NM_001365426.1); short protein forms L63R, L67R.
Identifiers: ClinVar variation 1303984 (VCV001303984.2), dbSNP rs2151765573, ClinGen allele CA396580376.
Genomic context (GRCh38, chr16:70,519,703, plus strand): 5'-ACTCACCCCATTCGGTGGAGAGTGACCATCTTACTTTCAATGGTGTTTTGCTGTTCCAAA[A>C]GAGCATCCAGCTCTCTCTCCACCACTTTCTGAAACACAGAGAAACATCCTGTCAGCAGAA-3'
Protein context (NP_056201.2, residues 57-77): EKVVERELDA[Leu67Arg]LEQQNTIESK